The following is an entry in ClinVar:

NM_001278064.2(GRM1):c.1551T>A (p.Ser517Arg)

Gene: GRM1 (glutamate metabotropic receptor 1; plus strand). Cytogenetic location: 6q24.3.
Variant type: single nucleotide variant.
Coding change: c.1551T>A on transcript NM_001278064.2 (MANE Select); coding-DNA position 1551, T replaced by A.
Protein change: p.Ser517Arg; replaces serine 517 with arginine.
Molecular consequence: missense variant.
Genome position (GRCh38, 1-based): chr6:146,357,643, T>A. VCF-style: chr6-146357643-T-A. GRCh37 (hg19) VCF-style: chr6-146678779-T-A.
Other names: c.1551T>A, p.Ser517Arg (NM_001278065.2, NM_001278066.1, NM_001278067.1); short protein forms S517R.
Identifiers: ClinVar variation 1962389 (VCV001962389.5), dbSNP rs777510399, ClinGen allele CA4037312.
Genomic context (GRCh38, chr6:146,357,643, plus strand): 5'-TGGAACCTGGCATGAAGGAGTGCTGAACATTGATGATTACAAAATCCAGATGAACAAGAG[T>A]GGAGTGGTGCGGTCTGTGTGCAGTGAGCCTTGCTTAAAGGGCCAGATTAAGGTAAGCCAC-3'
Protein context (NP_001264993.1, residues 507-527): IDDYKIQMNK[Ser517Arg]GVVRSVCSEP

ClinVar aggregate classification (germline): Uncertain significance (1 of 4 stars; one submission).

Allele frequency attached by ClinVar (database versions not stated): gnomAD exomes below 0.00001; ExAC 0.00001.
gnomAD v4.1: 2 of 1,613,462 alleles (0.00012%); highest among the groups gnomAD compares: Non-Finnish European, 0.00017%; no homozygotes.

Submission:

Labcorp Genetics (formerly Invitae), Labcorp
Classification: Uncertain significance. Last evaluated: 2023-06-29. Review status: criteria provided, single submitter. Criteria: Invitae Variant Classification Sherloc (09022015). Collection method: clinical testing. Allele origin: germline.
Comment: This sequence change replaces serine, which is neutral and polar, with arginine, which is basic and polar, at codon 517 of the GRM1 protein (p.Ser517Arg). In summary, the available evidence is currently insufficient to determine the role of this variant in disease. Therefore, it has been classified as a Variant of Uncertain Significance. An algorithm developed to predict the effect of missense changes on protein structure and function (PolyPhen-2) suggests that this variant is likely to be tolerated. ClinVar contains an entry for this variant (Variation ID: 1962389). This variant has not been reported in the literature in individuals affected with GRM1-related conditions. This variant is present in population databases (rs777510399, gnomAD 0.002%).